The following is an entry in ClinVar:

ClinVar aggregate classification (germline): Likely benign (0 of 4 stars; one submission).

Conditions:
SLC29A4-related disorder. Also called: SLC29A4-related condition.

Allele frequency attached by ClinVar (database versions not stated): TOPMed 0.00003; gnomAD 0.00007; 1000 Genomes Project 30x 0.00078; 1000 Genomes Project 0.00100.
gnomAD v4.1: 170 of 1,612,072 alleles (0.011%); highest among the groups gnomAD compares: South Asian, 0.1%; no homozygotes.

Submission:

PreventionGenetics, part of Exact Sciences
Classification: Likely benign for SLC29A4-related condition. Last evaluated: 2019-07-01. Review status: no assertion criteria provided. Collection method: clinical testing. Allele origin: germline.
Comment: This variant is classified as likely benign based on ACMG/AMP sequence variant interpretation guidelines (Richards et al. 2015 PMID: 25741868, with internal and published modifications).

NM_153247.4(SLC29A4):c.84C>T (p.Phe28=)

Gene: SLC29A4 (solute carrier family 29 member 4; plus strand). Cytogenetic location: 7p22.1.
Variant type: single nucleotide variant.
Coding change: c.84C>T on transcript NM_153247.4 (MANE Select); coding-DNA position 84, C replaced by T.
Protein change: p.Phe28=; no amino-acid change (phenylalanine 28 retained).
Molecular consequence: synonymous variant.
Genome position (GRCh38, 1-based): chr7:5,287,900, C>T. VCF-style: chr7-5287900-C-T. GRCh37 (hg19) VCF-style: chr7-5327531-C-T.
Other names: c.84C>T, p.Phe28= (NM_001040661.3, NM_001300847.3).
Identifiers: ClinVar variation 3042969 (VCV003042969.2), dbSNP rs140965974, ClinGen allele CA4142154.
Genomic context (GRCh38, chr7:5,287,900, plus strand): 5'-CCTTGAGGAGCCCAGCGTGGCAGGCACACCAGACCCGGGCGTAGTGATGAGCTTCACCTT[C>T]GACAGTCACCAGCTGGAGGAGGCGGCGGAGGCGGCTCAGGGCCAGGGCCTTAGGGCCAGG-3'
Protein context (NP_694979.2, residues 18-38): PDPGVVMSFT[Phe28=]DSHQLEEAAE